The following is an entry in ClinVar:

NM_000027.4(AGA):c.88dup (p.Val30fs)

Gene: AGA (aspartylglucosaminidase; minus strand). Cytogenetic location: 4q34.3.
Variant type: Duplication.
Coding change: c.88dup on transcript NM_000027.4 (MANE Select); coding-DNA position 88, one base duplicated (G; older notation c.88dupG).
Protein change: p.Val30fs; shifts the reading frame from valine 30.
Molecular consequence: frameshift variant. On other transcripts: non-coding transcript variant (1).
Genome position (GRCh38, 1-based): chr4:177,442,288, C duplicated on the plus strand (G on the coding strand, the reverse complement: AGA is on the minus strand); the first of 2 consecutive C bases (chr4:177,442,288-177,442,289); duplicating either gives the same sequence. VCF-style (leftmost placement, unchanged base first): chr4-177442287-A-AC. GRCh37 (hg19) VCF-style: chr4-178363441-A-AC.
Other names: c.88dup, p.Val30fs (NM_001171988.2); short protein forms V30fs.
Identifiers: ClinVar variation 3605108 (VCV003605108.2).

ClinVar aggregate classification (germline): Pathogenic (1 of 4 stars; one submission).

Conditions:
Aspartylglucosaminuria (AGU). Also called: Aspartylglucos-aminuria; Aspartylglucos-amidase (AGA) deficiency; AGA DEFICIENCY; GLYCOASPARAGINASE; GLYCOSYLASPARAGINASE DEFICIENCY. Identifiers: Orphanet 93, MedGen C0268225, MONDO:0008830, OMIM 208400, HP:0012068.

Submission:

Labcorp Genetics (formerly Invitae), Labcorp
Classification: Pathogenic for Aspartylglucosaminuria. Last evaluated: 2024-02-06. Review status: criteria provided, single submitter. Criteria: Invitae Variant Classification Sherloc (09022015). Collection method: clinical testing. Allele origin: germline.
Comment: This sequence change creates a premature translational stop signal (p.Val30Glyfs*8) in the AGA gene. It is expected to result in an absent or disrupted protein product. Loss-of-function variants in AGA are known to be pathogenic (PMID: 7627186, 11309371). This variant is not present in population databases (gnomAD no frequency). This variant has not been reported in the literature in individuals affected with AGA-related conditions. For these reasons, this variant has been classified as Pathogenic.

Literature cited by the submitters: PubMed 7627186; PubMed 11309371.